The following is an entry in ClinVar:

NM_000171.4(GLRA1):c.57C>T (p.Ser19=)

Gene: GLRA1 (glycine receptor alpha 1; minus strand). Cytogenetic location: 5q33.1.
Variant type: single nucleotide variant.
Coding change: c.57C>T on transcript NM_000171.4 (MANE Select); coding-DNA position 57, C replaced by T.
Protein change: p.Ser19=; no amino-acid change (serine 19 retained).
Molecular consequence: synonymous variant. On other transcripts: intron variant (1).
Genome position (GRCh38, 1-based): chr5:151,892,438, G>A on the plus strand (C>T on the coding strand, the complement: GLRA1 is on the minus strand). VCF-style: chr5-151892438-G-A. GRCh37 (hg19) VCF-style: chr5-151271999-G-A.
Other names: c.57C>T, p.Ser19= (NM_001146040.2); c.-65-5650C>T (NM_001292000.2).
Identifiers: ClinVar variation 1521865 (VCV001521865.6), dbSNP rs1003664889, ClinGen allele CA130011829.

ClinVar aggregate classification (germline): Uncertain significance (1 of 4 stars; one submission).

Conditions:
Hereditary hyperekplexia. Identifiers: Orphanet 3197, MedGen C4084968, MONDO:0021022.

Allele frequency attached by ClinVar (database versions not stated): gnomAD exomes below 0.00001; TOPMed below 0.00001; gnomAD 0.00002.
gnomAD v4.1: 4 of 1,613,852 alleles (0.00025%); highest among the groups gnomAD compares: African/African-American, 0.004%; no homozygotes.

Submission:

Labcorp Genetics (formerly Invitae), Labcorp
Classification: Uncertain significance for Hereditary hyperekplexia. Last evaluated: 2024-07-04. Review status: criteria provided, single submitter. Criteria: Invitae Variant Classification Sherloc (09022015). Collection method: clinical testing. Allele origin: germline.
Comment: This sequence change affects codon 19 of the GLRA1 mRNA. It is a 'silent' change, meaning that it does not change the encoded amino acid sequence of the GLRA1 protein. It affects a nucleotide within the consensus splice site. This variant is present in population databases (no rsID available, gnomAD 0.01%). This variant has not been reported in the literature in individuals affected with GLRA1-related conditions. ClinVar contains an entry for this variant (Variation ID: 1521865). Algorithms developed to predict the effect of sequence changes on RNA splicing suggest that this variant is not likely to affect RNA splicing. In summary, the available evidence is currently insufficient to determine the role of this variant in disease. Therefore, it has been classified as a Variant of Uncertain Significance.